The following is an entry in ClinVar:

ClinVar aggregate classification (germline): Uncertain significance (1 of 4 stars; one submission).

Submission:

Labcorp Genetics (formerly Invitae), Labcorp
Classification: Uncertain significance. Last evaluated: 2021-08-09. Review status: criteria provided, single submitter. Criteria: Invitae Variant Classification Sherloc (09022015). Collection method: clinical testing. Allele origin: germline.
Comment: In summary, the available evidence is currently insufficient to determine the role of this variant in disease. Therefore, it has been classified as a Variant of Uncertain Significance. Algorithms developed to predict the effect of missense changes on protein structure and function are either unavailable or do not agree on the potential impact of this missense change (SIFT: "Deleterious"; PolyPhen-2: "Benign"; Align-GVGD: "Class C0"). This variant has not been reported in the literature in individuals affected with AP3D1-related conditions. This variant is not present in population databases (ExAC no frequency). This sequence change replaces glutamic acid with lysine at codon 1027 of the AP3D1 protein (p.Glu1027Lys). The glutamic acid residue is moderately conserved and there is a small physicochemical difference between glutamic acid and lysine.

NM_001261826.3(AP3D1):c.3079G>A (p.Glu1027Lys)

Gene: AP3D1 (adaptor related protein complex 3 subunit delta 1; minus strand). Cytogenetic location: 19p13.3.
Variant type: single nucleotide variant.
Coding change: c.3079G>A on transcript NM_001261826.3 (MANE Select); coding-DNA position 3079, G replaced by A.
Protein change: p.Glu1027Lys; replaces glutamic acid 1027 with lysine.
Molecular consequence: missense variant.
Genome position (GRCh38, 1-based): chr19:2,110,803, C>T on the plus strand (G>A on the coding strand, the complement: AP3D1 is on the minus strand). VCF-style: chr19-2110803-C-T. GRCh37 (hg19) VCF-style: chr19-2110802-C-T.
Other names: c.3043G>A, p.Glu1015Lys (NM_001374799.1); c.2893G>A, p.Glu965Lys (NM_003938.8); short protein forms E965K, E1015K, E1027K.
Identifiers: ClinVar variation 1373735 (VCV001373735.6), dbSNP rs2018252487, ClinGen allele CA403202877.
Genomic context (GRCh38, chr19:2,110,803, plus strand): 5'-GGACGGAGGAGCCCTGCGGCCGGGCCATCCTGGCATTGAGTGAGTCCAGCACGCTGAGCT[C>T]CATGCCCTTGAGGATGCTGCTGCTCCTGTTCTCCAGCACGATGGCCACAGTGACCTGGCT-3'
Protein context (NP_001248755.1, residues 1017-1037): NRSSSILKGM[Glu1027Lys]LSVLDSLNAR